The following is an entry in ClinVar:

NM_001165963.4(SCN1A):c.1201A>G (p.Ile401Val)

Gene: SCN1A (sodium voltage-gated channel alpha subunit 1; minus strand). Cytogenetic location: 2q24.3.
Variant type: single nucleotide variant.
Coding change: c.1201A>G on transcript NM_001165963.4 (MANE Select); coding-DNA position 1201, A replaced by G.
Protein change: p.Ile401Val; replaces isoleucine 401 with valine.
Molecular consequence: missense variant. On other transcripts: 5 prime UTR variant (1), non-coding transcript variant (1).
Genome position (GRCh38, 1-based): chr2:166,046,946, T>C on the plus strand (A>G on the coding strand, the complement: SCN1A is on the minus strand). VCF-style: chr2-166046946-T-C. GRCh37 (hg19) VCF-style: chr2-166903456-T-C.
Other names: c.1201A>G (NM_001165963.2); c.1201A>G, p.Ile401Val (NM_001165964.3, NM_001202435.3, NM_001353948.2 and 10 more transcripts); c.-1225A>G (NM_001353961.2); short protein forms I401V.
Identifiers: ClinVar variation 1040689 (VCV001040689.17), dbSNP rs1697908394, ClinGen allele CA349070993.

ClinVar aggregate classification (germline): Uncertain significance. Review status: criteria provided, multiple submitters, no conflicts (2 of 4 stars). 5 submissions from 5 submitters: Uncertain significance (5). Last evaluated 2025-06-12.

Conditions:
Generalized epilepsy with febrile seizures plus, type 2 (GEFSP2). Also called: GEFS+, TYPE 2. Identifiers: Orphanet 36387, MedGen C1858673, MONDO:0011461, OMIM 604403.
Early-infantile DEE. Also called: Ohtahara syndrome; Early infantile epileptic encephalopathy with suppression bursts; Early infantile epileptic encephalopathy. Identifiers: Orphanet 1934, MedGen C0393706, MONDO:0800491.

Submissions (5):

GeneDx
Classification: Uncertain significance. Last evaluated: 2025-06-12. Review status: criteria provided, single submitter. Criteria: GeneDx Variant Classification Process June 2021. Collection method: clinical testing. Allele origin: germline. Affected: yes.
Comment: Has not been previously published as pathogenic or benign to our knowledge; This substitution is predicted to be within the transmembrane segment S6 of the first homologous domain; Not observed at significant frequency in large population cohorts (gnomAD); In silico analysis suggests that this missense variant does not alter protein structure/function

Dasa
Classification: Uncertain significance. Last evaluated: 2025-01-27. Review status: criteria provided, single submitter. Criteria: DASA Assertion Criteria. Collection method: clinical testing. Allele origin: germline.
Comment: NM_001165963.4(SCN1A):c.1201A>G (p.Ile401Val) is a missense variant that results in the substitution of isoleucine with valine. This variant is absent from population databases. Computational prediction algorithms are consistent with a deleterious effect. The currently available literature and clinical evidence are not sufficient to establish a definitive association between this variant and the reported condition. Therefore, this variant is classified as a variant of uncertain significance.

Victorian Clinical Genetics Services, Murdoch Childrens Research Institute
Classification: Uncertain significance for Generalized epilepsy with febrile seizures plus, type 2. Last evaluated: 2024-10-09. Review status: criteria provided, single submitter. Criteria: ACMG Guidelines, 2015. Collection method: clinical testing. Allele origin: germline. Inheritance: Autosomal dominant inheritance. Affected: yes.
Comment: Based on the classification scheme VCGS_Germline_v1.3.4, this variant is classified as VUS-3A. Following criteria are met: 0103 - Loss of function and gain of function are known mechanisms of disease in this gene and are associated with SCN1A-related epilepsy (PMID: 28488083). (I) 0107 - This gene is associated with autosomal dominant disease. (I) 0112 - The condition associated with this gene has incomplete penetrance. Penetrance has been noted to vary by phenotype (PMID: 20301494). (I) 0115 - Variants in this gene are known to have variable expressivity. Both intrafamilial and interfamilial variability has been observed (PMID: 20301494). (I) 0200 - Variant is predicted to result in a missense amino acid change from isoleucine to valine. (I) 0251 - This variant is heterozygous. (I) 0301 - Variant is absent from gnomAD (both v2 and v3). (SP) 0502 - Missense variant with conflicting in silico predictions and uninformative conservation. (I) 0600 - Variant is located in the annotated ion transport domain (DECIPHER). (I) 0705 - No comparable missense variants have previous evidence for pathogenicity. (I) 0809 - Previous evidence of pathogenicity for this variant is inconclusive. This variant has been previously reported as a VUS (ClinVar, LOVD). (I) 0905 - No published segregation evidence has been identified for this variant. (I) 1007 - No published functional evidence has been identified for this variant. (I) 1208 - Inheritance information for this variant is not currently available in this individual. (I) Legend: (SP) - Supporting pathogenic, (I) - Information, (SB) - Supporting benign

Labcorp Genetics (formerly Invitae), Labcorp
Classification: Uncertain significance for Early-infantile DEE. Last evaluated: 2022-02-05. Review status: criteria provided, single submitter. Criteria: Invitae Variant Classification Sherloc (09022015). Collection method: clinical testing. Allele origin: germline.
Comment: In summary, the available evidence is currently insufficient to determine the role of this variant in disease. Therefore, it has been classified as a Variant of Uncertain Significance. Algorithms developed to predict the effect of sequence changes on RNA splicing suggest that this variant may create or strengthen a splice site. Algorithms developed to predict the effect of missense changes on protein structure and function (SIFT, PolyPhen-2, Align-GVGD) all suggest that this variant is likely to be disruptive. ClinVar contains an entry for this variant (Variation ID: 1040689). This variant has not been reported in the literature in individuals affected with SCN1A-related conditions. This variant is not present in population databases (gnomAD no frequency). This sequence change replaces isoleucine, which is neutral and non-polar, with valine, which is neutral and non-polar, at codon 401 of the SCN1A protein (p.Ile401Val).

Genetic Services Laboratory, University of Chicago
Classification: Uncertain significance. Last evaluated: 2018-07-17. Review status: criteria provided, single submitter. Criteria: ACMG Guidelines, 2015. Collection method: clinical testing. Allele origin: germline. Affected: no.

Literature cited by the submitters: PubMed 20301494 (cited by Victorian Clinical Genetics Services, Murdoch Childrens Research Institute); PubMed 28488083 (cited by Victorian Clinical Genetics Services, Murdoch Childrens Research Institute).